The following is an entry in ClinVar:

ClinVar aggregate classification (germline): Uncertain significance. Review status: criteria provided, multiple submitters, no conflicts (2 of 4 stars). 2 submissions from 2 submitters: Uncertain significance (2). Last evaluated 2026-02-01.

Conditions:
Atypical hemolytic-uremic syndrome. Identifiers: Orphanet 2134, MedGen C2931788, MONDO:0016244.

Allele frequency attached by ClinVar (database versions not stated): ExAC 0.00002; gnomAD 0.00004; TOPMed 0.00004.
gnomAD v4.1: 56 of 1,613,664 alleles (0.0035%); highest among the groups gnomAD compares: Middle Eastern, 0.016%; no homozygotes.

Submissions (2):

Labcorp Genetics (formerly Invitae), Labcorp
Classification: Uncertain significance. Last evaluated: 2026-02-01. Review status: criteria provided, single submitter. Criteria: Invitae Variant Classification Sherloc (09022015). Collection method: clinical testing. Allele origin: germline.
Comment: This sequence change replaces arginine, which is basic and polar, with histidine, which is basic and polar, at codon 218 of the CD46 protein (p.Arg218His). This variant is present in population databases (rs770322216, gnomAD 0.004%). This missense change has been observed in individual(s) with atypical hemolytic uremic syndrome (PMID: 30890598). ClinVar contains an entry for this variant (Variation ID: 1413421). Invitae Evidence Modeling of protein sequence and biophysical properties (such as structural, functional, and spatial information, amino acid conservation, physicochemical variation, residue mobility, and thermodynamic stability) indicates that this missense variant is not expected to disrupt CD46 protein function with a negative predictive value of 80%. In summary, the available evidence is currently insufficient to determine the role of this variant in disease. Therefore, it has been classified as a Variant of Uncertain Significance.

Genomenon, Inc
Classification: Uncertain significance for Atypical hemolytic-uremic syndrome. Last evaluated: 2025-10-02. Review status: criteria provided, single submitter. Criteria: Genomenon Sequence Variant Interpretation Standards. Collection method: curation. Allele origin: germline. Affected: yes.
Comment: CD46 p.Arg218His (c.653G>A) is a missense variant that changes the amino acid at residue 218 from Arginine to Histidine. This variant has been observed in at least one proband affected with atypical hemolytic-uremic syndrome (PMID:30890598). It is absent or not present at a significant frequency in gnomAD. In silico models agree that this variant is not damaging. In conclusion, we classify CD46 p.Arg218His (c.653G>A) as a variant of uncertain significance.

Literature cited by the submitters: PubMed 30890598 (cited by Labcorp Genetics (formerly Invitae), Labcorp and Genomenon, Inc).

NM_172351.3(CD46):c.653G>A (p.Arg218His)

Gene: CD46 (CD46 molecule; plus strand). Cytogenetic location: 1q32.2.
Variant type: single nucleotide variant.
Coding change: c.653G>A on transcript NM_172351.3 (MANE Select); coding-DNA position 653, G replaced by A.
Protein change: p.Arg218His; replaces arginine 218 with histidine.
Molecular consequence: missense variant.
Genome position (GRCh38, 1-based): chr1:207,761,426, G>A. VCF-style: chr1-207761426-G-A. GRCh37 (hg19) VCF-style: chr1-207934771-G-A.
Other names: c.653G>A, p.Arg218His (NM_002389.4, NM_153826.4, NM_172350.3 and 8 more transcripts); short protein forms R218H.
Identifiers: ClinVar variation 1413421 (VCV001413421.9), dbSNP rs770322216, ClinGen allele CA1371695.